The following is an entry in ClinVar:

NM_006393.3(NEBL):c.1813G>A (p.Val605Met)

Gene: NEBL (nebulette; minus strand). Cytogenetic location: 10p12.31.
Variant type: single nucleotide variant.
Coding change: c.1813G>A on transcript NM_006393.3 (MANE Select); coding-DNA position 1813, G replaced by A.
Protein change: p.Val605Met; replaces valine 605 with methionine.
Molecular consequence: missense variant. On other transcripts: intron variant (9).
Genome position (GRCh38, 1-based): chr10:20,826,503, C>T on the plus strand (G>A on the coding strand, the complement: NEBL is on the minus strand). VCF-style: chr10-20826503-C-T. GRCh37 (hg19) VCF-style: chr10-21115432-C-T.
Other names: c.250-13563G>A (NM_001377326.1, NM_001377327.1, NM_001377328.1); c.358-13563G>A (NM_213569.2, NM_001173484.2, NM_001377322.1); c.301-13563G>A (NM_001377324.1); c.292-13563G>A (NM_001377325.1); c.310-13563G>A (NM_001377323.1); short protein forms V605M.
Identifiers: ClinVar variation 5025471 (VCV005025471.1).

ClinVar aggregate classification (germline): Uncertain significance (1 of 4 stars; one submission).

Submission:

Ambry Genetics
Classification: Uncertain significance. Last evaluated: 2026-09-12. Review status: criteria provided, single submitter. Criteria: Ambry Variant Classification Scheme 2023. Collection method: clinical testing. Allele origin: germline.
Comment: The p.V605M variant (also known as c.1813G>A), located in coding exon 18 of the NEBL gene, results from a G to A substitution at nucleotide position 1813. The valine at codon 605 is replaced by methionine, an amino acid with highly similar properties. This amino acid position is conserved. In addition, this alteration is predicted to be tolerated by in silico analysis. Based on the available evidence, the clinical significance of this variant remains unclear.